The following is an entry in ClinVar:

NM_001277115.2(DNAH11):c.341C>T (p.Ala114Val)

Gene: DNAH11 (dynein axonemal heavy chain 11; plus strand). Cytogenetic location: 7p15.3.
Variant type: single nucleotide variant.
Coding change: c.341C>T on transcript NM_001277115.2 (MANE Select); coding-DNA position 341, C replaced by T.
Protein change: p.Ala114Val; replaces alanine 114 with valine.
Molecular consequence: missense variant.
Genome position (GRCh38, 1-based): chr7:21,543,586, C>T. VCF-style: chr7-21543586-C-T. GRCh37 (hg19) VCF-style: chr7-21583204-C-T.
Other names: short protein forms A114V.
Identifiers: ClinVar variation 3339340 (VCV003339340.1).

ClinVar aggregate classification (germline): Uncertain significance (1 of 4 stars; one submission).

Submission:

Women's Health and Genetics/Laboratory Corporation of America, LabCorp
Classification: Uncertain significance. Last evaluated: 2024-07-24. Review status: criteria provided, single submitter. Criteria: LabCorp Variant Classification Summary - May 2015. Collection method: clinical testing. Allele origin: germline.
Comment: Variant summary: DNAH11 c.341C>T (p.Ala114Val) results in a non-conservative amino acid change in the encoded protein sequence. Two of three in-silico tools predict a benign effect of the variant on protein function. The frequency data for this variant in gnomAD is considered unreliable, as metrics indicate poor data quality at this position. To our knowledge, no occurrence of c.341C>T in individuals affected with Primary Ciliary Dyskinesia 7 and no experimental evidence demonstrating its impact on protein function have been reported. No submitters have cited clinical-significance assessments for this variant to ClinVar. Based on the evidence outlined above, the variant was classified as uncertain significance.